The following is an entry in ClinVar:

ClinVar aggregate classification (germline): Uncertain significance (1 of 4 stars; one submission).

Conditions:
Ullrich congenital muscular dystrophy 2 (UCMD2). Identifiers: Orphanet 75840, MedGen C4225314, MONDO:0014654, OMIM 616470.
Bethlem myopathy 2 (BTHLM2). Identifiers: Orphanet 536516, Orphanet 610, MedGen C4225313, MONDO:0034022, OMIM 616471.

Allele frequency attached by ClinVar (database versions not stated): TOPMed below 0.00001.

Submission:

Labcorp Genetics (formerly Invitae), Labcorp
Classification: Uncertain significance for Bethlem myopathy 2; Ullrich congenital muscular dystrophy 2. Last evaluated: 2018-12-18. Review status: criteria provided, single submitter. Criteria: Invitae Variant Classification Sherloc (09022015). Collection method: clinical testing. Allele origin: germline.
Comment: In summary, the available evidence is currently insufficient to determine the role of this variant in disease. Therefore, it has been classified as a Variant of Uncertain Significance. Algorithms developed to predict the effect of missense changes on protein structure and function output the following: SIFT: "Tolerated"; PolyPhen-2: "Benign"; Align-GVGD: "Class C0". The isoleucine amino acid residue is found in multiple mammalian species, suggesting that this missense change does not adversely affect protein function. These predictions have not been confirmed by published functional studies and their clinical significance is uncertain. This variant has not been reported in the literature in individuals with COL12A1-related conditions. This sequence change replaces valine with isoleucine at codon 1029 of the COL12A1 protein (p.Val1029Ile). The valine residue is moderately conserved and there is a small physicochemical difference between valine and isoleucine. This variant is not present in population databases (ExAC no frequency).

NM_004370.6(COL12A1):c.3085G>A (p.Val1029Ile)

Gene: COL12A1 (collagen type XII alpha 1 chain; minus strand). Cytogenetic location: 6q13.
Variant type: single nucleotide variant.
Coding change: c.3085G>A on transcript NM_004370.6 (MANE Select); coding-DNA position 3085, G replaced by A.
Protein change: p.Val1029Ile; replaces valine 1029 with isoleucine.
Molecular consequence: missense variant. On other transcripts: intron variant (1).
Genome position (GRCh38, 1-based): chr6:75,156,422, C>T on the plus strand (G>A on the coding strand, the complement: COL12A1 is on the minus strand). VCF-style: chr6-75156422-C-T. GRCh37 (hg19) VCF-style: chr6-75866138-C-T.
Other names: c.74-3940G>A (NM_080645.3); short protein forms V1029I.
Identifiers: ClinVar variation 665961 (VCV000665961.9), dbSNP rs1582147115, ClinGen allele CA364754290.